The following is an entry in ClinVar:

ClinVar aggregate classification (germline): Uncertain significance (1 of 4 stars; one submission).

Allele frequency attached by ClinVar (database versions not stated): gnomAD exomes below 0.00001.
gnomAD v4.1: 1 of 1,612,502 alleles (0.000062%); highest among the groups gnomAD compares: Non-Finnish European, 0.000085%; no homozygotes.

Submission:

Labcorp Genetics (formerly Invitae), Labcorp
Classification: Uncertain significance. Last evaluated: 2021-04-01. Review status: criteria provided, single submitter. Criteria: Invitae Variant Classification Sherloc (09022015). Collection method: clinical testing. Allele origin: germline.
Comment: This sequence change replaces threonine with isoleucine at codon 3533 of the VPS13C protein (p.Thr3533Ile). The threonine residue is highly conserved and there is a moderate physicochemical difference between threonine and isoleucine. This variant is not present in population databases (ExAC no frequency). This variant has not been reported in the literature in individuals with VPS13C-related conditions. Algorithms developed to predict the effect of missense changes on protein structure and function are either unavailable or do not agree on the potential impact of this missense change (SIFT: "Deleterious"; PolyPhen-2: "Probably Damaging"; Align-GVGD: "Class C0"). In summary, the available evidence is currently insufficient to determine the role of this variant in disease. Therefore, it has been classified as a Variant of Uncertain Significance.

NM_020821.3(VPS13C):c.10598C>T (p.Thr3533Ile)

Gene: VPS13C (vacuolar protein sorting 13 homolog C; minus strand). Cytogenetic location: 15q22.2.
Variant type: single nucleotide variant.
Coding change: c.10598C>T on transcript NM_020821.3 (MANE Select); coding-DNA position 10598, C replaced by T.
Protein change: p.Thr3533Ile; replaces threonine 3533 with isoleucine.
Molecular consequence: missense variant.
Genome position (GRCh38, 1-based): chr15:61,872,015, G>A on the plus strand (C>T on the coding strand, the complement: VPS13C is on the minus strand). VCF-style: chr15-61872015-G-A. GRCh37 (hg19) VCF-style: chr15-62164214-G-A.
Other names: c.10598C>T, p.Thr3533Ile (NM_001018088.3); c.10469C>T, p.Thr3490Ile (NM_017684.5, NM_018080.4); short protein forms T3490I, T3533I.
Identifiers: ClinVar variation 1521969 (VCV001521969.8), dbSNP rs2140878030, ClinGen allele CA392669686.